The following is an entry in ClinVar:

ClinVar aggregate classification (germline): Benign/Likely benign. Review status: criteria provided, multiple submitters, no conflicts (2 of 4 stars). 16 submissions from 15 submitters: Benign (8); Likely benign (5). 3 of the submissions do not count toward it. Last evaluated 2026-09-01.

Conditions:
Hereditary cancer-predisposing syndrome. Also called: Neoplastic Syndromes, Hereditary; Tumor predisposition; Hereditary neoplastic syndrome; Hereditary Cancer Syndrome. Identifiers: Orphanet 140162, MedGen C0027672, MeSH D009386, MONDO:0015356.
Familial cutaneous telangiectasia and oropharyngeal predisposition cancer syndrome. Identifiers: Orphanet 313846, MedGen C3281203, MONDO:0013806, OMIM 614564.
Seckel syndrome 1 (SCKL1). Also called: MICROCEPHALIC PRIMORDIAL DWARFISM I. Identifiers: Orphanet 808, MedGen C4551474, MONDO:0008869, OMIM 210600.

Allele frequency attached by ClinVar (database versions not stated): 1000 Genomes Project 30x 0.00297; 1000 Genomes Project 0.00300; TOPMed 0.00861; gnomAD 0.00985 and 0.01036; ESP Exome Variant Server 0.01184.
gnomAD v4.1: 19,795 of 1,613,860 alleles (1.2%); highest among the groups gnomAD compares: Non-Finnish European, 1.4%; 151 homozygotes.

Submissions (16):

CeGaT Center for Human Genetics Tuebingen
Classification: Benign. Last evaluated: 2026-09-01. Review status: criteria provided, single submitter. Criteria: CeGaT Center For Human Genetics Tuebingen Variant Classification Criteria Version 2. Collection method: clinical testing. Allele origin: germline. Affected: yes. Observed: 196 variant alleles.
Comment: ATR: BP4, BS1, BS2

Labcorp Genetics (formerly Invitae), Labcorp
Classification: Benign. Last evaluated: 2026-02-03. Review status: criteria provided, single submitter. Criteria: Invitae Variant Classification Sherloc (09022015). Collection method: clinical testing. Allele origin: germline.

GeneKor MSA
Classification: Benign for Hereditary cancer-predisposing syndrome. Last evaluated: 2025-07-10. Review status: criteria provided, single submitter. Criteria: ACMG Guidelines, 2015. Collection method: clinical testing. Allele origin: germline.

Blueprint Genetics
Classification: Likely benign. Last evaluated: 2024-11-26. Review status: criteria provided, single submitter. Criteria: ACMG Guidelines, 2015. Collection method: clinical testing. Allele origin: germline.

ARUP Laboratories, Molecular Genetics and Genomics, ARUP Laboratories
Classification: Benign. Last evaluated: 2023-11-29. Review status: criteria provided, single submitter. Criteria: ARUP Molecular Germline Variant Investigation Process 2024. Collection method: clinical testing. Allele origin: germline.

KCCC/NGS Laboratory, Kuwait Cancer Control Center
Classification: Benign for Familial cutaneous telangiectasia and oropharyngeal predisposition cancer syndrome. Last evaluated: 2023-07-07. Review status: criteria provided, single submitter. Criteria: ACMG Guidelines, 2015. Collection method: clinical testing. Allele origin: germline. Affected: yes.

Genome-Nilou Lab
Classification: Likely benign for Seckel syndrome 1. Last evaluated: 2023-02-08. Review status: criteria provided, single submitter. Criteria: ACMG Guidelines, 2015. Collection method: clinical testing. Allele origin: germline.

Genome-Nilou Lab
Classification: Likely benign for Familial cutaneous telangiectasia and oropharyngeal predisposition cancer syndrome. Last evaluated: 2023-02-08. Review status: criteria provided, single submitter. Criteria: ACMG Guidelines, 2015. Collection method: clinical testing. Allele origin: germline.

GeneDx
Classification: Benign. Last evaluated: 2017-10-11. Review status: criteria provided, single submitter. Criteria: GeneDx Variant Classification (06012015). Collection method: clinical testing. Allele origin: germline. Affected: yes.
Comment: This variant is considered likely benign or benign based on one or more of the following criteria: it is a conservative change, it occurs at a poorly conserved position in the protein, it is predicted to be benign by multiple in silico algorithms, and/or has population frequency not consistent with disease.

Illumina Laboratory Services, Illumina
Classification: Benign for Seckel syndrome 1. Last evaluated: 2017-04-27. Review status: criteria provided, single submitter. Criteria: ICSL Variant Classification Criteria 13 December 2019. Collection method: clinical testing. Allele origin: germline.
Comment: This variant was observed as part of a predisposition screen in an ostensibly healthy population. A literature search was performed for the gene, cDNA change, and amino acid change (where applicable). Publications were found based on this search. The evidence from the literature, in combination with allele frequency data from public databases where available, was sufficient to rule this variant out of causing disease. Therefore, this variant is classified as benign.

Vantari Genetics
Classification: Benign for Hereditary cancer-predisposing syndrome. Last evaluated: 2015-10-23. Review status: criteria provided, single submitter. Criteria: ACMG Guidelines, 2015. Collection method: clinical testing. Allele origin: germline.

Genetic Services Laboratory, University of Chicago
Classification: Likely benign. Last evaluated: 2013-07-02. Review status: criteria provided, single submitter. Criteria: ACMG Guidelines, 2007. Collection method: clinical testing. Allele origin: germline. Inheritance: Autosomal recessive inheritance.
Comment: Likely benign based on allele frequency in 1000 Genomes Project or ESP global frequency and its presence in a patient with a rare or unrelated disease phenotype. NOT Sanger confirmed

Breakthrough Genomics
Classification: Likely benign. Review status: criteria provided, single submitter. Criteria: ACMG Guidelines, 2015. Collection method: not provided. Allele origin: germline. Inheritance: Autosomal recessive inheritance. Affected: yes.

Clinical Genetics DNA and cytogenetics Diagnostics Lab, Erasmus MC, Erasmus Medical Center
Classification: Likely benign. Review status: no assertion criteria provided. Collection method: clinical testing. Allele origin: germline. Affected: yes. Study: VKGL Data-share Consensus. Not counted in ClinVar's aggregate classification.

Diagnostic Laboratory, Department of Genetics, University Medical Center Groningen
Classification: Benign. Review status: no assertion criteria provided. Collection method: clinical testing. Allele origin: germline. Affected: yes. Study: VKGL Data-share Consensus. Not counted in ClinVar's aggregate classification.

Laboratory of Diagnostic Genome Analysis, Leiden University Medical Center (LUMC)
Classification: Likely benign. Review status: no assertion criteria provided. Collection method: clinical testing. Allele origin: germline. Affected: yes. Study: VKGL Data-share Consensus. Not counted in ClinVar's aggregate classification.

Literature cited by the submitters: PubMed 15987455 (cited by Illumina Laboratory Services, Illumina).

NM_001184.4(ATR):c.891G>C (p.Lys297Asn)

Gene: ATR (ATR checkpoint kinase; minus strand). Cytogenetic location: 3q23.
Variant type: single nucleotide variant.
Coding change: c.891G>C on transcript NM_001184.4 (MANE Select); coding-DNA position 891, G replaced by C.
Protein change: p.Lys297Asn; replaces lysine 297 with asparagine.
Molecular consequence: missense variant.
Genome position (GRCh38, 1-based): chr3:142,562,511, C>G on the plus strand (G>C on the coding strand, the complement: ATR is on the minus strand). VCF-style: chr3-142562511-C-G. GRCh37 (hg19) VCF-style: chr3-142281353-C-G.
Other names: c.891G>C, p.Lys297Asn (NM_001354579.2); short protein forms K297N.
Identifiers: ClinVar variation 158005 (VCV000158005.64), dbSNP rs2229033, ClinGen allele CA171382.